The following is an entry in ClinVar:

ClinVar aggregate classification (germline): Uncertain significance (1 of 4 stars; one submission).

Submission:

Labcorp Genetics (formerly Invitae), Labcorp
Classification: Uncertain significance. Last evaluated: 2024-08-13. Review status: criteria provided, single submitter. Criteria: Invitae Variant Classification Sherloc (09022015). Collection method: clinical testing. Allele origin: germline.
Comment: This sequence change replaces histidine, which is basic and polar, with arginine, which is basic and polar, at codon 292 of the POGLUT1 protein (p.His292Arg). This variant is not present in population databases (gnomAD no frequency). This variant has not been reported in the literature in individuals affected with POGLUT1-related conditions. Invitae Evidence Modeling of protein sequence and biophysical properties (such as structural, functional, and spatial information, amino acid conservation, physicochemical variation, residue mobility, and thermodynamic stability) indicates that this missense variant is expected to disrupt POGLUT1 protein function with a positive predictive value of 80%. In summary, the available evidence is currently insufficient to determine the role of this variant in disease. Therefore, it has been classified as a Variant of Uncertain Significance.

NM_152305.3(POGLUT1):c.875A>G (p.His292Arg)

Gene: POGLUT1 (protein O-glucosyltransferase 1; plus strand). Cytogenetic location: 3q13.33.
Variant type: single nucleotide variant.
Coding change: c.875A>G on transcript NM_152305.3 (MANE Select); coding-DNA position 875, A replaced by G.
Protein change: p.His292Arg; replaces histidine 292 with arginine.
Molecular consequence: missense variant. On other transcripts: non-coding transcript variant (1).
Genome position (GRCh38, 1-based): chr3:119,490,628, A>G. VCF-style: chr3-119490628-A-G. GRCh37 (hg19) VCF-style: chr3-119209475-A-G.
Other names: short protein forms H292R.
Identifiers: ClinVar variation 3657400 (VCV003657400.2).